The following is an entry in ClinVar:

NM_001330691.3(CEP78):c.169C>T (p.Pro57Ser)

Gene: CEP78 (centrosomal protein 78; plus strand). Cytogenetic location: 9q21.2.
Variant type: single nucleotide variant.
Coding change: c.169C>T on transcript NM_001330691.3 (MANE Select); coding-DNA position 169, C replaced by T.
Protein change: p.Pro57Ser; replaces proline 57 with serine.
Molecular consequence: missense variant.
Genome position (GRCh38, 1-based): chr9:78,236,519, C>T. VCF-style: chr9-78236519-C-T. GRCh37 (hg19) VCF-style: chr9-80851435-C-T.
Other names: c.169C>T, p.Pro57Ser (NM_001098802.3, NM_001330693.3, NM_001330694.2 and 4 more transcripts); short protein forms P57S.
Identifiers: ClinVar variation 2237107 (VCV002237107.4), dbSNP rs369765677, ClinGen allele CA5094828.

ClinVar aggregate classification (germline): Uncertain significance. Review status: criteria provided, multiple submitters, no conflicts (2 of 4 stars). 3 submissions from 3 submitters: Uncertain significance (3). Last evaluated 2023-12-03.

Conditions:
Inborn genetic diseases. Identifiers: MedGen C0950123, MeSH D030342.

Allele frequency attached by ClinVar (database versions not stated): TOPMed 0.00002; gnomAD 0.00003; gnomAD exomes 0.00004; ESP Exome Variant Server 0.00008; ExAC 0.00011.

Submissions (3):

Labcorp Genetics (formerly Invitae), Labcorp
Classification: Uncertain significance. Last evaluated: 2023-12-03. Review status: criteria provided, single submitter. Criteria: Invitae Variant Classification Sherloc (09022015). Collection method: clinical testing. Allele origin: germline.
Comment: This sequence change replaces proline, which is neutral and non-polar, with serine, which is neutral and polar, at codon 57 of the CEP78 protein (p.Pro57Ser). This variant is present in population databases (rs369765677, gnomAD 0.04%), including at least one homozygous and/or hemizygous individual. This variant has not been reported in the literature in individuals affected with CEP78-related conditions. ClinVar contains an entry for this variant (Variation ID: 2237107). Advanced modeling of protein sequence and biophysical properties (such as structural, functional, and spatial information, amino acid conservation, physicochemical variation, residue mobility, and thermodynamic stability) performed at Invitae indicates that this missense variant is expected to disrupt CEP78 protein function with a positive predictive value of 80%. In summary, the available evidence is currently insufficient to determine the role of this variant in disease. Therefore, it has been classified as a Variant of Uncertain Significance.

Blueprint Genetics
Classification: Uncertain significance. Last evaluated: 2023-08-29. Review status: criteria provided, single submitter. Criteria: ACMG Guidelines, 2015. Collection method: clinical testing. Allele origin: germline.

Ambry Genetics
Classification: Uncertain significance for Inborn genetic diseases. Last evaluated: 2021-08-18. Review status: criteria provided, single submitter. Criteria: Ambry Variant Classification Scheme 2023. Collection method: clinical testing. Allele origin: germline.